The following is an entry in ClinVar:

NM_005869.4(CWC27):c.908_910del (p.Gly303del)

Gene: CWC27 (CWC27 spliceosome associated cyclophilin; plus strand). Cytogenetic location: 5q12.3.
Variant type: Deletion.
Coding change: c.908_910del on transcript NM_005869.4 (MANE Select); coding-DNA positions 908 to 910, 3 bases deleted (GAG; older notation c.908_910delGAG).
Protein change: p.Gly303del; deletes glycine 303.
Molecular consequence: inframe deletion.
Genome position (GRCh38, 1-based): chr5:64,804,356-64,804,358, GAG deleted; deleting any 3 consecutive bases within chr5:64,804,354-64,804,358 gives the same sequence; the c. name uses the placement nearest the transcript's 3' end. VCF-style (leftmost placement, unchanged base first): chr5-64804353-AAGG-A. GRCh37 (hg19) VCF-style: chr5-64100180-AAGG-A.
Other names: c.908_910delGAG (NM_005869.3); c.908_910del, p.Gly303del (NM_001297644.1, NM_001297645.2, NM_001318000.2 and 1 more transcripts); short protein forms G303del.
Identifiers: ClinVar variation 838263 (VCV000838263.8), dbSNP rs764283583, ClinGen allele CA3282118.

ClinVar aggregate classification (germline): Conflicting classifications of pathogenicity. Review status: criteria provided, conflicting classifications (1 of 4 stars). 3 submissions from 3 submitters: Uncertain significance (1); Likely benign (1). 1 of the submissions does not count toward it. Last evaluated 2025-02-03.

Conditions:
CWC27-related disorder. Also called: CWC27-related condition.

Submissions (3):

Labcorp Genetics (formerly Invitae), Labcorp
Classification: Uncertain significance. Last evaluated: 2025-02-03. Review status: criteria provided, single submitter. Criteria: Invitae Variant Classification Sherloc (09022015). Collection method: clinical testing. Allele origin: germline.
Comment: This variant, c.908_910del, results in the deletion of 1 amino acid(s) of the CWC27 protein (p.Gly303del), but otherwise preserves the integrity of the reading frame. This variant is present in population databases (rs764283583, gnomAD 0.1%). This variant has not been reported in the literature in individuals affected with CWC27-related conditions. ClinVar contains an entry for this variant (Variation ID: 838263). Experimental studies and prediction algorithms are not available or were not evaluated, and the functional significance of this variant is currently unknown. In summary, the available evidence is currently insufficient to determine the role of this variant in disease. Therefore, it has been classified as a Variant of Uncertain Significance.

Blueprint Genetics
Classification: Likely benign. Last evaluated: 2024-06-27. Review status: criteria provided, single submitter. Criteria: ACMG Guidelines, 2015. Collection method: clinical testing. Allele origin: germline.

PreventionGenetics, part of Exact Sciences
Classification: Likely benign for CWC27-related condition. Last evaluated: 2024-08-15. Review status: no assertion criteria provided. Collection method: clinical testing. Allele origin: germline. Not counted in ClinVar's aggregate classification.
Comment: This variant is classified as likely benign based on ACMG/AMP sequence variant interpretation guidelines (Richards et al. 2015 PMID: 25741868, with internal and published modifications).